The following is an entry in ClinVar:

NM_182972.3(IRF2BP2):c.428C>G (p.Ala143Gly)

Genes: IRF2BP2 (interferon regulatory factor 2 binding protein 2; minus strand), LOC129932812 (ATAC-STARR-seq lymphoblastoid silent region 1977; plus strand). Cytogenetic location: 1q42.3.
Variant type: single nucleotide variant.
Coding change: c.428C>G on transcript NM_182972.3 (MANE Select); coding-DNA position 428, C replaced by G.
Protein change: p.Ala143Gly; replaces alanine 143 with glycine.
Molecular consequence: missense variant.
Genome position (GRCh38, 1-based): chr1:234,609,067, G>C on the plus strand (C>G on the coding strand, the complement: IRF2BP2 is on the minus strand). VCF-style: chr1-234609067-G-C. GRCh37 (hg19) VCF-style: chr1-234744813-G-C.
Other names: c.428C>G, p.Ala143Gly (NM_001077397.1); c.428C>G (NM_182972.2); short protein forms A143G.
Identifiers: ClinVar variation 1401195 (VCV001401195.7), dbSNP rs756506703, ClinGen allele CA1461860.

ClinVar aggregate classification (germline): Uncertain significance. Review status: criteria provided, multiple submitters, no conflicts (2 of 4 stars). 2 submissions from 2 submitters: Uncertain significance (2). Last evaluated 2026-02-01.

gnomAD v4.1: 23 of 1,266,264 alleles (0.0018%); highest among the groups gnomAD compares: Non-Finnish European, 0.0022%; no homozygotes.

Submissions (2):

Labcorp Genetics (formerly Invitae), Labcorp
Classification: Uncertain significance. Last evaluated: 2026-02-01. Review status: criteria provided, single submitter. Criteria: Invitae Variant Classification Sherloc (09022015). Collection method: clinical testing. Allele origin: germline.
Comment: This sequence change replaces alanine, which is neutral and non-polar, with glycine, which is neutral and non-polar, at codon 143 of the IRF2BP2 protein (p.Ala143Gly). This variant is present in population databases (rs756506703, gnomAD 0.02%). This variant has not been reported in the literature in individuals affected with IRF2BP2-related conditions. ClinVar contains an entry for this variant (Variation ID: 1401195). An algorithm developed to predict the effect of missense changes on protein structure and function (PolyPhen-2) suggests that this variant is likely to be tolerated. In summary, the available evidence is currently insufficient to determine the role of this variant in disease. Therefore, it has been classified as a Variant of Uncertain Significance.

Ambry Genetics
Classification: Uncertain significance. Last evaluated: 2022-12-01. Review status: criteria provided, single submitter. Criteria: Ambry Variant Classification Scheme 2023. Collection method: clinical testing. Allele origin: germline.